The following is an entry in ClinVar:

ClinVar aggregate classification (germline): Pathogenic (1 of 4 stars; one submission).

Submission:

CeGaT Center for Human Genetics Tuebingen
Classification: Pathogenic. Last evaluated: 2023-10-01. Review status: criteria provided, single submitter. Criteria: CeGaT Center For Human Genetics Tuebingen Variant Classification Criteria Version 2. Collection method: clinical testing. Allele origin: germline. Affected: yes. Observed: 1 variant allele.
Comment: PI4KA: PVS1, PM2

NM_058004.4(PI4KA):c.1080del (p.Ser361fs)

Gene: PI4KA (phosphatidylinositol 4-kinase alpha; minus strand). Cytogenetic location: 22q11.21.
Variant type: Deletion.
Coding change: c.1080del on transcript NM_058004.4 (MANE Select); coding-DNA position 1080, one base deleted (C; older notation c.1080delC).
Protein change: p.Ser361fs; shifts the reading frame from serine 361.
Molecular consequence: frameshift variant.
Genome position (GRCh38, 1-based): chr22:20,807,450, G deleted on the plus strand (C on the coding strand, the reverse complement: PI4KA is on the minus strand); the first of 4 consecutive G bases (chr22:20,807,450-20,807,453); deleting any one gives the same sequence. VCF-style (leftmost placement, unchanged base first): chr22-20807449-TG-T. GRCh37 (hg19) VCF-style: chr22-21161737-TG-T.
Other names: c.1080del, p.Ser361fs (NM_001362862.2); c.1014del, p.Ser339fs (NM_001362863.2); short protein forms S339fs, S361fs.
Identifiers: ClinVar variation 2583000 (VCV002583000.25), dbSNP rs2518309690, ClinGen allele CA2582342731.
Genomic context (GRCh38, chr22:20,807,449, plus strand): 5'-GCATCTTGAACATGGTCAGGTAGAGAGGGTCACTGAAGGAAGTGTAGTAGAGATCAGCAC[TG>T]GGGTTGGCCTGCAGGGAAGGCAGACACACATGACTATAGAACAGAAATGCCCTTCTGCCC-3'